The following is an entry in ClinVar:

ClinVar aggregate classification (germline): Likely pathogenic (1 of 4 stars; one submission).

Submission:

GeneDx
Classification: Likely pathogenic. Last evaluated: 2023-10-03. Review status: criteria provided, single submitter. Criteria: GeneDx Variant Classification Process June 2021. Collection method: clinical testing. Allele origin: germline. Affected: yes.
Comment: Observed as apparently de novo variant in individual with autism; however no further clinical information was provided (Fu et al., 2022); Not observed at significant frequency in large population cohorts (gnomAD); In silico analysis supports that this missense variant has a deleterious effect on protein structure/function; This variant is associated with the following publications: (PMID: 36087421, 29740699, 35982160)

NM_005121.3(MED13):c.980C>A (p.Pro327Gln)

Gene: MED13 (mediator complex subunit 13; minus strand). Cytogenetic location: 17q23.2.
Variant type: single nucleotide variant.
Coding change: c.980C>A on transcript NM_005121.3 (MANE Select); coding-DNA position 980, C replaced by A.
Protein change: p.Pro327Gln; replaces proline 327 with glutamine.
Molecular consequence: missense variant.
Genome position (GRCh38, 1-based): chr17:62,031,473, G>T on the plus strand (C>A on the coding strand, the complement: MED13 is on the minus strand). VCF-style: chr17-62031473-G-T. GRCh37 (hg19) VCF-style: chr17-60108834-G-T.
Other names: short protein forms P327Q.
Identifiers: ClinVar variation 3252618 (VCV003252618.1), dbSNP rs2143678134.
Genomic context (GRCh38, chr17:62,031,473, plus strand): 5'-CCAGAGCTGATGAGACAAATTACTGCTATACCTGTTTGGACTTCCTCAGGAGACGTAGGT[G>T]GTGTAAGCGTAACCGAAGACATAGCAGGATCTCTTGTGGAAGCAGGCACTTGGTGGACAC-3'
Protein context (NP_005112.2, residues 317-337): DPAMSSVTLT[Pro327Gln]PTSPEEVQTV